The following is an entry in ClinVar:

NM_000368.5(TSC1):c.2112_2125del (p.Tyr704_Arg709delinsTer)

Gene: TSC1 (TSC complex subunit 1; minus strand). Cytogenetic location: 9q34.13.
Variant type: Deletion.
Coding change: c.2112_2125del on transcript NM_000368.5 (MANE Select); coding-DNA positions 2112 to 2125, 14 bases deleted (TGAGCGTTTTAAGA).
Protein change: p.Tyr704_Arg709delinsTer.
Molecular consequence: nonsense. On other transcripts: non-coding transcript variant (4).
Genome position (GRCh38, 1-based): chr9:132,903,734-132,903,747, TCTTAAAACGCTCA deleted on the plus strand (TGAGCGTTTTAAGA on the coding strand, the reverse complement: TSC1 is on the minus strand); deleting any 14 consecutive bases within chr9:132,903,734-132,903,748 gives the same sequence; the c. name uses the placement nearest the transcript's 3' end. VCF-style (leftmost placement, unchanged base first): chr9-132903733-CTCTTAAAACGCTCA-C. GRCh37 (hg19) VCF-style: chr9-135779120-CTCTTAAAACGCTCA-C.
Other names: c.2109_2122del, p.Tyr703_Arg708delinsTer (NM_001162426.2, NM_001406597.1, NM_001406598.1 and 4 more transcripts); c.1959_1972del, p.Tyr653_Arg658delinsTer (NM_001162427.2, NM_001406610.1); c.1749_1762del, p.Tyr583_Arg588delinsTer (NM_001362177.2, NM_001406614.1, NM_001406615.1 and 5 more transcripts); c.2112_2125del, p.Tyr704_Arg709delinsTer (NM_001406592.1, NM_001406593.1, NM_001406594.1 and 5 more transcripts); c.2097_2110del, p.Tyr699_Arg704delinsTer (NM_001406601.1, NM_001406602.1); c.2094_2107del, p.Tyr698_Arg703delinsTer (NM_001406603.1, NM_001406604.1); c.1956_1969del, p.Tyr652_Arg657delinsTer (NM_001406611.1, NM_001406612.1, NM_001406613.1); c.1746_1759del, p.Tyr582_Arg587delinsTer (NM_001406620.1, NM_001406621.1, NM_001406622.1 and 2 more transcripts); and 3 more.
Identifiers: ClinVar variation 2771512 (VCV002771512.3), dbSNP rs2538653190, ClinGen allele CA2697558145.

ClinVar aggregate classification (germline): Pathogenic (1 of 4 stars; one submission).

Conditions:
Tuberous sclerosis 1 (TSC1). Identifiers: Orphanet 805, MedGen C1854465, MONDO:0008612, OMIM 191100.

Submission:

Labcorp Genetics (formerly Invitae), Labcorp
Classification: Pathogenic for Tuberous sclerosis 1. Last evaluated: 2025-11-18. Review status: criteria provided, single submitter. Criteria: Invitae Variant Classification Sherloc (09022015). Collection method: clinical testing. Allele origin: germline.
Comment: This sequence change creates a premature translational stop signal (p.Tyr704*) in the TSC1 gene. It is expected to result in an absent or disrupted protein product. Loss-of-function variants in TSC1 are known to be pathogenic (PMID: 10227394, 17304050). This variant is not present in population databases (gnomAD no frequency). This premature translational stop signal has been observed in individual(s) with tuberous sclerosis complex (PMID: 10227394, 32647919). ClinVar contains an entry for this variant (Variation ID: 2771512). For these reasons, this variant has been classified as Pathogenic.

Literature cited by the submitters: PubMed 10227394; PubMed 17304050; PubMed 32647919.